The following is an entry in ClinVar:

ClinVar aggregate classification (germline): Uncertain significance (1 of 4 stars; one submission).

Allele frequency attached by ClinVar (database versions not stated): ExAC 0.00001; gnomAD exomes 0.00001.
gnomAD v4.1: 18 of 1,614,192 alleles (0.0011%); highest among the groups gnomAD compares: East Asian, 0.0022%; no homozygotes.

Submission:

Labcorp Genetics (formerly Invitae), Labcorp
Classification: Uncertain significance. Last evaluated: 2022-09-30. Review status: criteria provided, single submitter. Criteria: Invitae Variant Classification Sherloc (09022015). Collection method: clinical testing. Allele origin: germline.
Comment: In summary, the available evidence is currently insufficient to determine the role of this variant in disease. Therefore, it has been classified as a Variant of Uncertain Significance. Advanced modeling of protein sequence and biophysical properties (such as structural, functional, and spatial information, amino acid conservation, physicochemical variation, residue mobility, and thermodynamic stability) performed at Invitae indicates that this missense variant is expected to disrupt KMT2C protein function. This variant has not been reported in the literature in individuals affected with KMT2C-related conditions. This variant is present in population databases (rs754901602, gnomAD 0.0009%). This sequence change replaces glutamine, which is neutral and polar, with arginine, which is basic and polar, at codon 3411 of the KMT2C protein (p.Gln3411Arg).

NM_170606.3(KMT2C):c.10232A>G (p.Gln3411Arg)

Gene: KMT2C (lysine methyltransferase 2C; minus strand). Cytogenetic location: 7q36.1.
Variant type: single nucleotide variant.
Coding change: c.10232A>G on transcript NM_170606.3 (MANE Select); coding-DNA position 10232, A replaced by G.
Protein change: p.Gln3411Arg; replaces glutamine 3411 with arginine.
Molecular consequence: missense variant.
Genome position (GRCh38, 1-based): chr7:152,163,345, T>C on the plus strand (A>G on the coding strand, the complement: KMT2C is on the minus strand). VCF-style: chr7-152163345-T-C. GRCh37 (hg19) VCF-style: chr7-151860430-T-C.
Other names: short protein forms Q3411R.
Identifiers: ClinVar variation 1945518 (VCV001945518.5), dbSNP rs754901602, ClinGen allele CA4579333.